The following is an entry in ClinVar:

NM_152296.5(ATP1A3):c.2758C>G (p.Gln920Glu)

Gene: ATP1A3 (ATPase Na+/K+ transporting subunit alpha 3; minus strand). Cytogenetic location: 19q13.2.
Variant type: single nucleotide variant.
Coding change: c.2758C>G on transcript NM_152296.5 (MANE Select); coding-DNA position 2758, C replaced by G.
Protein change: p.Gln920Glu; replaces glutamine 920 with glutamic acid.
Molecular consequence: missense variant.
Genome position (GRCh38, 1-based): chr19:41,968,846, G>C on the plus strand (C>G on the coding strand, the complement: ATP1A3 is on the minus strand). VCF-style: chr19-41968846-G-C. GRCh37 (hg19) VCF-style: chr19-42472998-G-C.
Other names: c.2791C>G, p.Gln931Glu (NM_001256213.2); c.2797C>G, p.Gln933Glu (NM_001256214.2); short protein forms Q920E, Q931E, Q933E.
Identifiers: ClinVar variation 4278569 (VCV004278569.1).
Genomic context (GRCh38, chr19:41,968,846, plus strand): 5'-TCATGCCCTGCTGGAAGACCGAGTTCCTCCGGGTCTTGCAGATGATCAGATCGGCCCACT[G>C]GACGACAACGATGCTCACAAAGAAGGCCGTGTGGCAGGTGAACTCCACCACCTTCCTCTG-3'
Protein context (NP_689509.1, residues 910-930): TAFFVSIVVV[Gln920Glu]WADLIICKTR

ClinVar aggregate classification (germline): Uncertain significance (1 of 4 stars; one submission).

Submission:

GeneDx
Classification: Uncertain significance. Last evaluated: 2025-04-02. Review status: criteria provided, single submitter. Criteria: GeneDx Variant Classification Process June 2021. Collection method: clinical testing. Allele origin: germline. Affected: yes.
Comment: Not observed at significant frequency in large population cohorts (gnomAD); In silico analysis indicates that this missense variant does not alter protein structure/function; Has not been previously published as pathogenic or benign to our knowledge